The following is an entry in ClinVar:

ClinVar aggregate classification (germline): Uncertain significance. Review status: criteria provided, multiple submitters, no conflicts (2 of 4 stars). 2 submissions from 2 submitters: Uncertain significance (2). Last evaluated 2024-05-12.

Conditions:
Idiopathic generalized epilepsy. Also called: Generalised epilepsy; EIG. Identifiers: MedGen C0270850, MONDO:0005579, OMIM 600669.
Hyperaldosteronism, familial, type IV (HALD4). Also called: FH IV; ALDOSTERONISM, PRIMARY, AND HYPERTENSION. Identifiers: Orphanet 642671, MedGen C4310756, MONDO:0014875, OMIM 617027.
Epilepsy, childhood absence, susceptibility to, 6. Identifiers: Orphanet 64280, MedGen C2749872, MONDO:0012763, OMIM 611942.

Submissions (2):

Fulgent Genetics
Classification: Uncertain significance for Epilepsy, childhood absence, susceptibility to, 6; Hyperaldosteronism, familial, type IV. Last evaluated: 2024-05-12. Review status: criteria provided, single submitter. Criteria: ACMG Guidelines, 2015. Collection method: clinical testing. Allele origin: germline.

Labcorp Genetics (formerly Invitae), Labcorp
Classification: Uncertain significance for Idiopathic generalized epilepsy; Hyperaldosteronism, familial, type IV. Last evaluated: 2024-02-15. Review status: criteria provided, single submitter. Criteria: Invitae Variant Classification Sherloc (09022015). Collection method: clinical testing. Allele origin: germline.
Comment: This sequence change replaces valine, which is neutral and non-polar, with leucine, which is neutral and non-polar, at codon 1302 of the CACNA1H protein (p.Val1302Leu). This variant is not present in population databases (gnomAD no frequency). This variant has not been reported in the literature in individuals affected with CACNA1H-related conditions. Advanced modeling of protein sequence and biophysical properties (such as structural, functional, and spatial information, amino acid conservation, physicochemical variation, residue mobility, and thermodynamic stability) performed at Invitae indicates that this missense variant is not expected to disrupt CACNA1H protein function with a negative predictive value of 80%. In summary, the available evidence is currently insufficient to determine the role of this variant in disease. Therefore, it has been classified as a Variant of Uncertain Significance.

NM_021098.3(CACNA1H):c.3904G>C (p.Val1302Leu)

Gene: CACNA1H (calcium voltage-gated channel subunit alpha1 H; plus strand). Cytogenetic location: 16p13.3.
Variant type: single nucleotide variant.
Coding change: c.3904G>C on transcript NM_021098.3 (MANE Select); coding-DNA position 3904, G replaced by C.
Protein change: p.Val1302Leu; replaces valine 1302 with leucine.
Molecular consequence: missense variant.
Genome position (GRCh38, 1-based): chr16:1,210,428, G>C. VCF-style: chr16-1210428-G-C. GRCh37 (hg19) VCF-style: chr16-1260428-G-C.
Other names: c.3904G>C, p.Val1302Leu (NM_001005407.2); short protein forms V1302L.
Identifiers: ClinVar variation 3578359 (VCV003578359.3).